The following is an entry in ClinVar:

ClinVar aggregate classification (germline): Uncertain significance (1 of 4 stars; one submission).

Allele frequency attached by ClinVar (database versions not stated): gnomAD exomes below 0.00001; ExAC 0.00002.

Submission:

Labcorp Genetics (formerly Invitae), Labcorp
Classification: Uncertain significance. Last evaluated: 2025-08-21. Review status: criteria provided, single submitter. Criteria: Invitae Variant Classification Sherloc (09022015). Collection method: clinical testing. Allele origin: germline.
Comment: This sequence change replaces proline, which is neutral and non-polar, with alanine, which is neutral and non-polar, at codon 959 of the TUBGCP6 protein (p.Pro959Ala). This variant is present in population databases (rs745981463, gnomAD 0.007%). This variant has not been reported in the literature in individuals affected with TUBGCP6-related conditions. ClinVar contains an entry for this variant (Variation ID: 1348651). An algorithm developed to predict the effect of missense changes on protein structure and function (PolyPhen-2) suggests that this variant is likely to be disruptive. In summary, the available evidence is currently insufficient to determine the role of this variant in disease. Therefore, it has been classified as a Variant of Uncertain Significance.

NM_020461.4(TUBGCP6):c.2875C>G (p.Pro959Ala)

Gene: TUBGCP6 (tubulin gamma complex component 6; minus strand). Cytogenetic location: 22q13.33.
Variant type: single nucleotide variant.
Coding change: c.2875C>G on transcript NM_020461.4 (MANE Select); coding-DNA position 2875, C replaced by G.
Protein change: p.Pro959Ala; replaces proline 959 with alanine.
Molecular consequence: missense variant.
Genome position (GRCh38, 1-based): chr22:50,221,484, G>C on the plus strand (C>G on the coding strand, the complement: TUBGCP6 is on the minus strand). VCF-style: chr22-50221484-G-C. GRCh37 (hg19) VCF-style: chr22-50659913-G-C.
Other names: short protein forms P959A.
Identifiers: ClinVar variation 1348651 (VCV001348651.6), dbSNP rs745981463, ClinGen allele CA10308100.
Genomic context (GRCh38, chr22:50,221,484, plus strand): 5'-TGCCCAAGCTGCACTCTGCAGCCTGCAGGGGCCCTGGTGCAGGTGAGGTGGCCACAGCTG[G>C]CCTCAGGACAGTACTAAAGTCGTACTCCTGTGGCCTGGAGGGCTGAGTGCTGGCTGCTGC-3'
Protein context (NP_065194.3, residues 949-969): QEYDFSTVLR[Pro959Ala]AVATSPAPGP